The following is an entry in ClinVar:

ClinVar aggregate classification (germline): Benign (0 of 4 stars; one submission).

Conditions:
CENPT-related disorder. Also called: CENPT-related condition.

Allele frequency attached by ClinVar (database versions not stated): ESP Exome Variant Server 0.00056; gnomAD exomes 0.00144; TOPMed 0.00174; gnomAD 0.00247; ExAC 0.00408; 1000 Genomes Project 30x 0.00578; 1000 Genomes Project 0.00699.
gnomAD v4.1: 2,594 of 1,608,638 alleles (0.16%); highest among the groups gnomAD compares: East Asian, 2.3%; 20 homozygotes.

Submission:

PreventionGenetics, part of Exact Sciences
Classification: Benign for CENPT-related condition. Last evaluated: 2019-08-30. Review status: no assertion criteria provided. Collection method: clinical testing. Allele origin: germline.
Comment: This variant is classified as benign based on ACMG/AMP sequence variant interpretation guidelines (Richards et al. 2015 PMID: 25741868, with internal and published modifications).

NM_025082.4(CENPT):c.361T>G (p.Ser121Ala)

Gene: CENPT (centromere protein T; minus strand). Cytogenetic location: 16q22.1.
Variant type: single nucleotide variant.
Coding change: c.361T>G on transcript NM_025082.4 (MANE Select); coding-DNA position 361, T replaced by G.
Protein change: p.Ser121Ala; replaces serine 121 with alanine.
Molecular consequence: missense variant.
Genome position (GRCh38, 1-based): chr16:67,832,037, A>C on the plus strand (T>G on the coding strand, the complement: CENPT is on the minus strand). VCF-style: chr16-67832037-A-C. GRCh37 (hg19) VCF-style: chr16-67865940-A-C.
Other names: short protein forms S121A.
Identifiers: ClinVar variation 3049979 (VCV003049979.2), dbSNP rs187620725, ClinGen allele CA8117923.